The following is an entry in ClinVar:

NM_001365276.2(TNXB):c.6169G>A (p.Gly2057Ser)

Gene: TNXB (tenascin XB; minus strand). Cytogenetic location: 6p21.33.
Variant type: single nucleotide variant.
Coding change: c.6169G>A on transcript NM_001365276.2 (MANE Select); coding-DNA position 6169, G replaced by A.
Protein change: p.Gly2057Ser; replaces glycine 2057 with serine.
Molecular consequence: missense variant.
Genome position (GRCh38, 1-based): chr6:32,068,441, C>T on the plus strand (G>A on the coding strand, the complement: TNXB is on the minus strand). VCF-style: chr6-32068441-C-T. GRCh37 (hg19) VCF-style: chr6-32036218-C-T.
Other names: p.Gly2057Ser; c.6169G>A, p.Gly2057Ser (NM_019105.8); short protein forms G2057S.
Identifiers: ClinVar variation 1751983 (VCV001751983.9), dbSNP rs756050937, ClinGen allele CA3734516.
Genomic context (GRCh38, chr6:32,068,441, plus strand): 5'-TCCACTCACCTGTCACCCCGACGACAGACACAGGGCCCATGCGCTGGCCACCGTGGAAGC[C>T]GTACAGGTTCATCTTGTATTTATGGTCTGGCTCCAGGCCCGAGATGGTGACCCCTTCCTC-3'
Protein context (NP_001352205.1, residues 2047-2067): PDHKYKMNLY[Gly2057Ser]FHGGQRMGPV

ClinVar aggregate classification (germline): Uncertain significance. Review status: criteria provided, multiple submitters, no conflicts (2 of 4 stars). 4 submissions from 4 submitters: Uncertain significance (4). Last evaluated 2026-03-09.

Conditions:
Cardiovascular phenotype. Identifiers: MedGen CN230736.

Allele frequency attached by ClinVar (database versions not stated): gnomAD 0.00001; TOPMed 0.00001.
gnomAD v4.1: 92 of 1,613,900 alleles (0.0057%); highest among the groups gnomAD compares: Middle Eastern, 0.083%; no homozygotes.

Submissions (4):

Women's Health and Genetics/Laboratory Corporation of America, LabCorp
Classification: Uncertain significance. Last evaluated: 2026-03-09. Review status: criteria provided, single submitter. Criteria: LabCorp Variant Classification Summary - May 2015. Collection method: clinical testing. Allele origin: germline.
Comment: Variant summary: TNXB c.6169G>A (p.Gly2057Ser) results in a non-conservative amino acid change in the encoded protein sequence. Algorithms developed to predict the effect of missense changes on protein structure and function are either unavailable or do not agree on the potential impact of this missense change. The variant allele was found at a frequency of 2.4e-05 in 248664 control chromosomes. The available data on variant occurrences in the general population are insufficient to allow any conclusion about variant significance. To our knowledge, no occurrence of c.6169G>A in individuals affected with TNXB-related conditions and no experimental evidence demonstrating its impact on protein function have been reported. ClinVar contains an entry for this variant (Variation ID: 1751983). Based on the evidence outlined above, the variant was classified as uncertain significance.

Ambry Genetics
Classification: Uncertain significance for Cardiovascular phenotype. Last evaluated: 2025-11-20. Review status: criteria provided, single submitter. Criteria: Ambry Variant Classification Scheme 2023. Collection method: clinical testing. Allele origin: germline.

Mayo Clinic Laboratories, Mayo Clinic
Classification: Uncertain significance. Last evaluated: 2024-06-11. Review status: criteria provided, single submitter. Criteria: ACMG Guidelines, 2015. Collection method: clinical testing. Allele origin: germline. Observed: 1 variant allele.
Comment: BP4

GeneDx
Classification: Uncertain significance. Last evaluated: 2022-11-30. Review status: criteria provided, single submitter. Criteria: GeneDx Variant Classification Process June 2021. Collection method: clinical testing. Allele origin: germline. Affected: yes.
Comment: Has not been previously published as pathogenic or benign to our knowledge; In silico analysis supports that this missense variant has a deleterious effect on protein structure/function